The following is an entry in ClinVar:

NM_001367479.1(DNAH14):c.13498G>A (p.Ala4500Thr)

Gene: DNAH14 (dynein axonemal heavy chain 14; plus strand). Cytogenetic location: 1q42.12.
Variant type: single nucleotide variant.
Coding change: c.13498G>A on transcript NM_001367479.1 (MANE Select); coding-DNA position 13498, G replaced by A.
Protein change: p.Ala4500Thr; replaces alanine 4500 with threonine.
Molecular consequence: missense variant.
Genome position (GRCh38, 1-based): chr1:225,398,526, G>A. VCF-style: chr1-225398526-G-A. GRCh37 (hg19) VCF-style: chr1-225586228-G-A.
Other names: short protein forms A4500T.
Identifiers: ClinVar variation 3067499 (VCV003067499.21), dbSNP rs917754029, ClinGen allele CA38501505.

ClinVar aggregate classification (germline): Uncertain significance (1 of 4 stars; one submission).

Allele frequency attached by ClinVar (database versions not stated): gnomAD exomes below 0.00001; gnomAD 0.00001; TOPMed 0.00002.
gnomAD v4.1: 3 of 1,551,562 alleles (0.00019%); highest among the groups gnomAD compares: Non-Finnish European, 0.00026%; no homozygotes.

Submission:

CeGaT Center for Human Genetics Tuebingen
Classification: Uncertain significance. Last evaluated: 2024-03-01. Review status: criteria provided, single submitter. Criteria: CeGaT Center For Human Genetics Tuebingen Variant Classification Criteria Version 2. Collection method: clinical testing. Allele origin: germline. Affected: yes. Observed: 1 variant allele.
Comment: DNAH14: PM2, BP4